The following is an entry in ClinVar:

NM_152564.5(VPS13B):c.580+2T>C

Gene: VPS13B (vacuolar protein sorting 13 homolog B; plus strand). Cytogenetic location: 8q22.2.
Variant type: single nucleotide variant.
Coding change: c.580+2T>C on transcript NM_152564.5 (MANE Select); the canonical splice donor site of the intron after coding-DNA position 580, T replaced by C.
Molecular consequence: splice donor variant.
Genome position (GRCh38, 1-based): chr8:99,103,122, T>C. VCF-style: chr8-99103122-T-C. GRCh37 (hg19) VCF-style: chr8-100115350-T-C.
Other names: c.580+2T>C (NM_017890.5, NM_015243.3, NM_181661.3 and 1 more transcripts).
Identifiers: ClinVar variation 2901353 (VCV002901353.4), dbSNP rs2488637752, ClinGen allele CA371859577.

ClinVar aggregate classification (germline): Likely pathogenic. Review status: criteria provided, multiple submitters, no conflicts (2 of 4 stars). 2 submissions from 2 submitters: Likely pathogenic (2). Last evaluated 2024-01-30.

Conditions:
Cohen syndrome (COH1). Also called: Cutis verticis gyrata, retinitis pigmentosa, and sensorineural deafness; PEPPER SYNDROME. Identifiers: Orphanet 193, MedGen C0265223, MONDO:0008999, OMIM 216550.

Submissions (2):

Fulgent Genetics
Classification: Likely pathogenic for Cohen syndrome. Last evaluated: 2024-01-30. Review status: criteria provided, single submitter. Criteria: ACMG Guidelines, 2015. Collection method: clinical testing. Allele origin: germline.

Labcorp Genetics (formerly Invitae), Labcorp
Classification: Likely pathogenic for Cohen syndrome. Last evaluated: 2023-09-29. Review status: criteria provided, single submitter. Criteria: Invitae Variant Classification Sherloc (09022015). Collection method: clinical testing. Allele origin: germline.
Comment: In summary, the currently available evidence indicates that the variant is pathogenic, but additional data are needed to prove that conclusively. Therefore, this variant has been classified as Likely Pathogenic. Algorithms developed to predict the effect of sequence changes on RNA splicing suggest that this variant may disrupt the consensus splice site. This variant has not been reported in the literature in individuals affected with VPS13B-related conditions. This variant is not present in population databases (gnomAD no frequency). This sequence change affects a donor splice site in intron 5 of the VPS13B gene. It is expected to disrupt RNA splicing. Variants that disrupt the donor or acceptor splice site typically lead to a loss of protein function (PMID: 16199547), and loss-of-function variants in VPS13B are known to be pathogenic (PMID: 15141358, 16648375, 20461111).

Literature cited by the submitters: PubMed 16199547 (cited by Labcorp Genetics (formerly Invitae), Labcorp); PubMed 15141358 (cited by Labcorp Genetics (formerly Invitae), Labcorp); PubMed 16648375 (cited by Labcorp Genetics (formerly Invitae), Labcorp); PubMed 20461111 (cited by Labcorp Genetics (formerly Invitae), Labcorp).